The following is an entry in ClinVar:

ClinVar aggregate classification (germline): Pathogenic (1 of 4 stars; one submission).

Conditions:
Smith-Lemli-Opitz syndrome (SLOS). Also called: LETHAL ACRODYSGENITAL SYNDROME; POLYDACTYLY, SEX REVERSAL, RENAL HYPOPLASIA, AND UNILOBAR LUNG; RSH SYNDROME; RUTLEDGE LETHAL MULTIPLE CONGENITAL ANOMALY SYNDROME; 7-Dehydrocholesterol reductase deficiency. Identifiers: Orphanet 818, MedGen C0175694, MONDO:0010035, OMIM 270400.

Submission:

Myriad Genetics, Inc.
Classification: Pathogenic for Smith-Lemli-Opitz syndrome. Last evaluated: 2023-09-27. Review status: criteria provided, single submitter. Criteria: Myriad Autosomal Dominant, Autosomal Recessive and X-Linked Classification Criteria (2023). Collection method: clinical testing. Allele origin: unknown.
Comment: NM_001360.2(DHCR7):c.447dupA(A150Sfs*77) is expected to be pathogenic in the context of Smith-Lemli-Opitz syndrome. This variant is predicted to lead to an abnormal or absent protein product due to the creation of a premature termination codon in DHCR7, a gene where loss-of-function variants are known to be pathogenic. Please note: this variant was assessed in the context of healthy population screening.

NM_001360.3(DHCR7):c.447dup (p.Ala150fs)

Gene: DHCR7 (7-dehydrocholesterol reductase; minus strand). Cytogenetic location: 11q13.4.
Variant type: Duplication.
Coding change: c.447dup on transcript NM_001360.3 (MANE Select); coding-DNA position 447, one base duplicated (A; older notation c.447dupA).
Protein change: p.Ala150fs; shifts the reading frame from alanine 150.
Molecular consequence: frameshift variant.
Genome position (GRCh38, 1-based): chr11:71,441,406, T duplicated on the plus strand (A on the coding strand, the reverse complement: DHCR7 is on the minus strand); the first of 2 consecutive T bases (chr11:71,441,406-71,441,407); duplicating either gives the same sequence. VCF-style (leftmost placement, unchanged base first): chr11-71441405-C-CT. GRCh37 (hg19) VCF-style: chr11-71152451-C-CT.
Other names: c.447dup, p.Ala150fs (NM_001163817.2, NM_001425107.1, NM_001425109.1 and 7 more transcripts); c.483dup, p.Ala162fs (NM_001425108.1); c.387dup, p.Ala130fs (NM_001425113.1); c.351dup, p.Ala118fs (NM_001425114.1, NM_001425116.1); c.273dup, p.Ala92fs (NM_001425117.1); short protein forms A118fs, A130fs, A150fs, A162fs, A92fs.
Identifiers: ClinVar variation 5012027 (VCV005012027.1).
Genomic context (GRCh38, chr11:71,441,405, plus strand): 5'-GCGAGAACCAGGACAGGAGATGAGCGTTTGCAAACCAGAGCAGGTGCGTGAGGAGCCAGG[C>CT]TTGCAGGCCATTGATCTGATACTTGTTCACAACCCCTGCAGATGAAGGATTCAGAAATGA-3'